The following is an entry in ClinVar:

NM_016038.4(SBDS):c.703G>A (p.Glu235Lys)

Gene: SBDS (SBDS ribosome maturation factor; minus strand). Cytogenetic location: 7q11.21.
Variant type: single nucleotide variant.
Coding change: c.703G>A on transcript NM_016038.4 (MANE Select); coding-DNA position 703, G replaced by A.
Protein change: p.Glu235Lys; replaces glutamic acid 235 with lysine.
Molecular consequence: missense variant.
Genome position (GRCh38, 1-based): chr7:66,988,421, C>T on the plus strand (G>A on the coding strand, the complement: SBDS is on the minus strand). VCF-style: chr7-66988421-C-T. GRCh37 (hg19) VCF-style: chr7-66453408-C-T.
Other names: short protein forms E235K.
Identifiers: ClinVar variation 5029022 (VCV005029022.1).

ClinVar aggregate classification (germline): Uncertain significance (1 of 4 stars; one submission).

Conditions:
Inborn genetic diseases. Identifiers: MedGen C0950123, MeSH D030342.

gnomAD v4.1: 1 of 1,613,730 alleles (0.000062%); highest among the groups gnomAD compares: African/African-American, 0.0013%; no homozygotes.

Submission:

Ambry Genetics
Classification: Uncertain significance for Inborn genetic diseases. Last evaluated: 2026-07-18. Review status: criteria provided, single submitter. Criteria: Ambry Variant Classification Scheme 2023. Collection method: clinical testing. Allele origin: germline.
Comment: The p.E235K variant (also known as c.703G>A), located in coding exon 5 of the SBDS gene, results from a G to A substitution at nucleotide position 703. The glutamic acid at codon 235 is replaced by lysine, an amino acid with similar properties. This amino acid position is conserved. In addition, this alteration is predicted to be deleterious by in silico analysis. Based on the available evidence, the clinical significance of this variant remains unclear.